The following is an entry in ClinVar:

ClinVar aggregate classification (germline): Uncertain significance. Review status: criteria provided, multiple submitters, no conflicts (2 of 4 stars). 2 submissions from 2 submitters: Uncertain significance (2). Last evaluated 2023-04-12.

Conditions:
Inborn genetic diseases. Identifiers: MedGen C0950123, MeSH D030342.

Allele frequency attached by ClinVar (database versions not stated): gnomAD 0.00001; TOPMed 0.00002.
gnomAD v4.1: 14 of 1,611,526 alleles (0.00087%); highest among the groups gnomAD compares: African/African-American, 0.004%; no homozygotes.

Submissions (2):

Ambry Genetics
Classification: Uncertain significance for Inborn genetic diseases. Last evaluated: 2023-04-12. Review status: criteria provided, single submitter. Criteria: Ambry Variant Classification Scheme 2023. Collection method: clinical testing. Allele origin: germline.

Labcorp Genetics (formerly Invitae), Labcorp
Classification: Uncertain significance. Last evaluated: 2021-12-09. Review status: criteria provided, single submitter. Criteria: Invitae Variant Classification Sherloc (09022015). Collection method: clinical testing. Allele origin: germline.
Comment: This sequence change replaces arginine, which is basic and polar, with histidine, which is basic and polar, at codon 859 of the OTOF protein (p.Arg859His). This variant is present in population databases (rs761627839, gnomAD 0.007%). This variant has not been reported in the literature in individuals affected with OTOF-related conditions. Algorithms developed to predict the effect of missense changes on protein structure and function (SIFT, PolyPhen-2, Align-GVGD) all suggest that this variant is likely to be disruptive. In summary, the available evidence is currently insufficient to determine the role of this variant in disease. Therefore, it has been classified as a Variant of Uncertain Significance.

NM_194248.3(OTOF):c.2576G>A (p.Arg859His)

Gene: OTOF (otoferlin; minus strand). Cytogenetic location: 2p23.3.
Variant type: single nucleotide variant.
Coding change: c.2576G>A on transcript NM_194248.3 (MANE Select); coding-DNA position 2576, G replaced by A.
Protein change: p.Arg859His; replaces arginine 859 with histidine.
Molecular consequence: missense variant.
Genome position (GRCh38, 1-based): chr2:26,476,991, C>T on the plus strand (G>A on the coding strand, the complement: OTOF is on the minus strand). VCF-style: chr2-26476991-C-T. GRCh37 (hg19) VCF-style: chr2-26699859-C-T.
Other names: c.2576G>A, p.Arg859His (NM_001287489.2); c.335G>A, p.Arg112His (NM_004802.4, NM_194323.3); c.506G>A, p.Arg169His (NM_194322.3); c.2576G>A (NM_194248.2); short protein forms R169H, R859H, R112H.
Identifiers: ClinVar variation 2186468 (VCV002186468.3), dbSNP rs761627839, ClinGen allele CA1563846.